The following is an entry in ClinVar:

ClinVar aggregate classification (germline): Uncertain significance (1 of 4 stars; one submission).

Conditions:
Gorlin syndrome. Also called: Nevoid Basal Cell Carcinoma Syndrome; Basal cell nevus syndrome. Identifiers: Orphanet 377, MedGen C0004779, MONDO:0007187.

Allele frequency attached by ClinVar (database versions not stated): gnomAD exomes below 0.00001; gnomAD 0.00001.
gnomAD v4.1: 4 of 1,613,142 alleles (0.00025%); highest among the groups gnomAD compares: East Asian, 0.0022%; no homozygotes.

Submission:

Labcorp Genetics (formerly Invitae), Labcorp
Classification: Uncertain significance for Gorlin syndrome. Last evaluated: 2023-09-03. Review status: criteria provided, single submitter. Criteria: Invitae Variant Classification Sherloc (09022015). Collection method: clinical testing. Allele origin: germline.
Comment: This variant has not been reported in the literature in individuals affected with PTCH2-related conditions. Algorithms developed to predict the effect of missense changes on protein structure and function output the following: SIFT: "Not Available"; PolyPhen-2: "Benign"; Align-GVGD: "Not Available". The histidine amino acid residue is found in multiple mammalian species, which suggests that this missense change does not adversely affect protein function. In summary, the available evidence is currently insufficient to determine the role of this variant in disease. Therefore, it has been classified as a Variant of Uncertain Significance. This sequence change replaces arginine, which is basic and polar, with histidine, which is basic and polar, at codon 962 of the PTCH2 protein (p.Arg962His). This variant is not present in population databases (gnomAD no frequency).

NM_003738.5(PTCH2):c.2885G>A (p.Arg962His)

Gene: PTCH2 (patched 2; minus strand). Cytogenetic location: 1p34.1.
Variant type: single nucleotide variant.
Coding change: c.2885G>A on transcript NM_003738.5 (MANE Select); coding-DNA position 2885, G replaced by A.
Protein change: p.Arg962His; replaces arginine 962 with histidine.
Molecular consequence: missense variant.
Genome position (GRCh38, 1-based): chr1:44,826,579, C>T on the plus strand (G>A on the coding strand, the complement: PTCH2 is on the minus strand). VCF-style: chr1-44826579-C-T. GRCh37 (hg19) VCF-style: chr1-45292251-C-T.
Other names: c.2885G>A, p.Arg962His (NM_001166292.2); short protein forms R962H.
Identifiers: ClinVar variation 2895107 (VCV002895107.3), dbSNP rs1653154755, ClinGen allele CA340109226.